The following is an entry in ClinVar:

ClinVar aggregate classification (germline): Uncertain significance (1 of 4 stars; one submission).

Conditions:
Inborn genetic diseases. Identifiers: MedGen C0950123, MeSH D030342.

gnomAD v4.1: 1 of 1,614,114 alleles (0.000062%); highest among the groups gnomAD compares: Non-Finnish European, 0.000085%; no homozygotes.

Submission:

Ambry Genetics
Classification: Uncertain significance for Inborn genetic diseases. Last evaluated: 2026-04-28. Review status: criteria provided, single submitter. Criteria: Ambry Variant Classification Scheme 2023. Collection method: clinical testing. Allele origin: germline.
Comment: The p.L253V variant (also known as c.757C>G), located in coding exon 8 of the FANCA gene, results from a C to G substitution at nucleotide position 757. The leucine at codon 253 is replaced by valine, an amino acid with highly similar properties. This amino acid position is conserved. In addition, this alteration is predicted to be tolerated by in silico analysis. Based on the available evidence, the clinical significance of this variant remains unclear.

NM_000135.4(FANCA):c.757C>G (p.Leu253Val)

Gene: FANCA (FA complementation group A; minus strand). Cytogenetic location: 16q24.3.
Variant type: single nucleotide variant.
Coding change: c.757C>G on transcript NM_000135.4 (MANE Select); coding-DNA position 757, C replaced by G.
Protein change: p.Leu253Val; replaces leucine 253 with valine.
Molecular consequence: missense variant.
Genome position (GRCh38, 1-based): chr16:89,803,294, G>C on the plus strand (C>G on the coding strand, the complement: FANCA is on the minus strand). VCF-style: chr16-89803294-G-C. GRCh37 (hg19) VCF-style: chr16-89869702-G-C.
Other names: c.757C>G, p.Leu253Val (NM_001018112.3, NM_001286167.3); c.661C>G, p.Leu221Val (NM_001351830.2); short protein forms L221V, L253V.
Identifiers: ClinVar variation 4870854 (VCV004870854.1).